The following is an entry in ClinVar:

NM_001376.5(DYNC1H1):c.13736A>G (p.Asn4579Ser)

Gene: DYNC1H1 (dynein cytoplasmic 1 heavy chain 1; plus strand). Cytogenetic location: 14q32.31.
Variant type: single nucleotide variant.
Coding change: c.13736A>G on transcript NM_001376.5 (MANE Select); coding-DNA position 13736, A replaced by G.
Protein change: p.Asn4579Ser; replaces asparagine 4579 with serine.
Molecular consequence: missense variant.
Genome position (GRCh38, 1-based): chr14:102,050,122, A>G. VCF-style: chr14-102050122-A-G. GRCh37 (hg19) VCF-style: chr14-102516459-A-G.
Other names: short protein forms N4579S.
Identifiers: ClinVar variation 2222870 (VCV002222870.5), dbSNP rs1391180102, ClinGen allele CA391051710.

ClinVar aggregate classification (germline): Conflicting classifications of pathogenicity. Review status: criteria provided, conflicting classifications (1 of 4 stars). 2 submissions from 2 submitters: Uncertain significance (1); Likely benign (1). Last evaluated 2025-09-25.

Conditions:
Inborn genetic diseases. Identifiers: MedGen C0950123, MeSH D030342.
Charcot-Marie-Tooth disease axonal type 2O. Also called: Charcot-Marie-Tooth Neuropathy Type 2O; Charcot-Marie-Tooth disease, axonal, type 20; CHARCOT-MARIE-TOOTH NEUROPATHY, AXONAL, TYPE 2O; CHARCOT-MARIE-TOOTH DISEASE, AXONAL, AUTOSOMAL DOMINANT, TYPE 2O. Identifiers: Orphanet 284232, MedGen C3280220, MONDO:0013644, OMIM 614228.

Allele frequency attached by ClinVar (database versions not stated): gnomAD exomes below 0.00001; gnomAD 0.00001; TOPMed below 0.00001.
gnomAD v4.1: 4 of 1,613,998 alleles (0.00025%); highest among the groups gnomAD compares: Admixed American, 0.0017%; no homozygotes.

Submissions (2):

Labcorp Genetics (formerly Invitae), Labcorp
Classification: Uncertain significance for Charcot-Marie-Tooth disease axonal type 2O. Last evaluated: 2025-09-25. Review status: criteria provided, single submitter. Criteria: Invitae Variant Classification Sherloc (09022015). Collection method: clinical testing. Allele origin: germline.
Comment: This sequence change replaces asparagine, which is neutral and polar, with serine, which is neutral and polar, at codon 4579 of the DYNC1H1 protein (p.Asn4579Ser). This variant is not present in population databases (gnomAD no frequency). This variant has not been reported in the literature in individuals affected with DYNC1H1-related conditions. ClinVar contains an entry for this variant (Variation ID: 2222870). Invitae Evidence Modeling of protein sequence and biophysical properties (such as structural, functional, and spatial information, amino acid conservation, physicochemical variation, residue mobility, and thermodynamic stability) indicates that this missense variant is not expected to disrupt DYNC1H1 protein function with a negative predictive value of 95%. In summary, the available evidence is currently insufficient to determine the role of this variant in disease. Therefore, it has been classified as a Variant of Uncertain Significance.

Ambry Genetics
Classification: Likely benign for Inborn genetic diseases. Last evaluated: 2022-01-26. Review status: criteria provided, single submitter. Criteria: Ambry Variant Classification Scheme 2023. Collection method: clinical testing. Allele origin: germline.